The following is an entry in ClinVar:

NM_001184.4(ATR):c.3602G>A (p.Arg1201His)

Gene: ATR (ATR checkpoint kinase; minus strand). Cytogenetic location: 3q23.
Variant type: single nucleotide variant.
Coding change: c.3602G>A on transcript NM_001184.4 (MANE Select); coding-DNA position 3602, G replaced by A.
Protein change: p.Arg1201His; replaces arginine 1201 with histidine.
Molecular consequence: missense variant.
Genome position (GRCh38, 1-based): chr3:142,538,605, C>T on the plus strand (G>A on the coding strand, the complement: ATR is on the minus strand). VCF-style: chr3-142538605-C-T. GRCh37 (hg19) VCF-style: chr3-142257447-C-T.
Other names: c.3410G>A, p.Arg1137His (NM_001354579.2); short protein forms R1137H, R1201H.
Identifiers: ClinVar variation 1368372 (VCV001368372.6), dbSNP rs1173633134, ClinGen allele CA354807622.
Genomic context (GRCh38, chr3:142,538,605, plus strand): 5'-GGTAACAAAGCTACTATTACATGACTGAGAAGGGAGCCCAGACAAGCATGATCCAGGCAG[C>T]GAACAAAGCAGTCCCAAGCTCTATGTGAAAAAACAAATAGAAATGAAGTCCAATTACTTT-3'
Protein context (NP_001175.2, residues 1191-1211): LCCRAWDCFV[Arg1201His]CLDHACLGSL

ClinVar aggregate classification (germline): Uncertain significance (1 of 4 stars; one submission).

Allele frequency attached by ClinVar (database versions not stated): gnomAD exomes below 0.00001; TOPMed 0.00002.

Submission:

Labcorp Genetics (formerly Invitae), Labcorp
Classification: Uncertain significance. Last evaluated: 2024-03-06. Review status: criteria provided, single submitter. Criteria: Invitae Variant Classification Sherloc (09022015). Collection method: clinical testing. Allele origin: germline.
Comment: This sequence change replaces arginine, which is basic and polar, with histidine, which is basic and polar, at codon 1201 of the ATR protein (p.Arg1201His). This variant is not present in population databases (gnomAD no frequency). This variant has not been reported in the literature in individuals affected with ATR-related conditions. ClinVar contains an entry for this variant (Variation ID: 1368372). Algorithms developed to predict the effect of missense changes on protein structure and function output the following: SIFT: "Not Available"; PolyPhen-2: "Benign"; Align-GVGD: "Not Available". The histidine amino acid residue is found in multiple mammalian species, which suggests that this missense change does not adversely affect protein function. In summary, the available evidence is currently insufficient to determine the role of this variant in disease. Therefore, it has been classified as a Variant of Uncertain Significance.